The following is an entry in ClinVar:

NM_002666.5(PLIN1):c.1568G>C (p.Ter523Ser)

Gene: PLIN1 (perilipin 1; minus strand). Cytogenetic location: 15q26.1.
Variant type: single nucleotide variant.
Coding change: c.1568G>C on transcript NM_002666.5 (MANE Select); coding-DNA position 1568, G replaced by C.
Protein change: p.Ter523Ser.
Molecular consequence: stop lost.
Genome position (GRCh38, 1-based): chr15:89,665,584, C>G on the plus strand (G>C on the coding strand, the complement: PLIN1 is on the minus strand). VCF-style: chr15-89665584-C-G. GRCh37 (hg19) VCF-style: chr15-90208815-C-G.
Other names: c.1568G>C, p.Ter523Ser (NM_001145311.2).
Identifiers: ClinVar variation 3629851 (VCV003629851.2).

ClinVar aggregate classification (germline): Uncertain significance (1 of 4 stars; one submission).

gnomAD v4.1: 1 of 1,528,184 alleles (0.000065%); highest among the groups gnomAD compares: African/African-American, 0.0014%; no homozygotes.

Submission:

Women's Health and Genetics/Laboratory Corporation of America, LabCorp
Classification: Uncertain significance. Last evaluated: 2026-04-23. Review status: criteria provided, single submitter. Criteria: LabCorp Variant Classification Summary - May 2015. Collection method: clinical testing. Allele origin: germline.
Comment: Variant summary: PLIN1 c.1568G>C (p.X523SerextX15) changes the termination codon and is predicted to lead to an extended protein with additional amino acids added to the normal C-terminus. The frequency data for this variant in gnomAD is considered unreliable, as metrics indicate poor data quality at this position. To our knowledge, no occurrence of c.1568G>C in individuals affected with PLIN1-related conditions and no experimental evidence demonstrating its impact on protein function have been reported. ClinVar contains an entry for this variant (Variation ID: 3629851). Based on the evidence outlined above, the variant was classified as uncertain significance.